The following is an entry in ClinVar:

ClinVar aggregate classification (germline): Likely benign (1 of 4 stars; one submission).

Submission:

CeGaT Center for Human Genetics Tuebingen
Classification: Likely benign. Last evaluated: 2025-05-01. Review status: criteria provided, single submitter. Criteria: CeGaT Center For Human Genetics Tuebingen Variant Classification Criteria Version 2. Collection method: clinical testing. Allele origin: germline. Affected: yes. Observed: 1 variant allele.
Comment: LOC728392: PM2:Supporting, BP4, BP7

NM_001162371.3(SMIM48):c.51C>G (p.Arg17=)

Genes: SMIM48 (small integral membrane protein 48; minus strand), LOC130060082 (ATAC-STARR-seq lymphoblastoid silent region 8072; plus strand). Cytogenetic location: 17p13.2.
Variant type: single nucleotide variant.
Coding change: c.51C>G on transcript NM_001162371.3 (MANE Select); coding-DNA position 51, C replaced by G.
Protein change: p.Arg17=; no amino-acid change (arginine 17 retained).
Molecular consequence: synonymous variant.
Genome position (GRCh38, 1-based): chr17:5,500,906, G>C on the plus strand (C>G on the coding strand, the complement: SMIM48 is on the minus strand). VCF-style: chr17-5500906-G-C. GRCh37 (hg19) VCF-style: chr17-5404226-G-C.
Identifiers: ClinVar variation 3905427 (VCV003905427.10).